The following is an entry in ClinVar:

NM_000179.3(MSH6):c.458G>T (p.Gly153Val)

Gene: MSH6 (mutS homolog 6; plus strand). Cytogenetic location: 2p16.3.
Variant type: single nucleotide variant.
Coding change: c.458G>T on transcript NM_000179.3 (MANE Select); coding-DNA position 458, G replaced by T.
Protein change: p.Gly153Val; replaces glycine 153 with valine.
Molecular consequence: missense variant. On other transcripts: 5 prime UTR variant (1), intron variant (2).
Genome position (GRCh38, 1-based): chr2:47,795,894, G>T. VCF-style: chr2-47795894-G-T. GRCh37 (hg19) VCF-style: chr2-48023033-G-T.
Other names: c.-445G>T (NM_001281494.2); c.-279-2717G>T (NM_001281493.2); c.238-2717G>T (NM_001281492.2); short protein forms G153V.
Identifiers: ClinVar variation 1064146 (VCV001064146.12), dbSNP rs1251899870, ClinGen allele CA346738557.

ClinVar aggregate classification (germline): Uncertain significance. Review status: criteria provided, multiple submitters, no conflicts (2 of 4 stars). 2 submissions from 2 submitters: Uncertain significance (2). Last evaluated 2025-02-10.

Conditions:
Hereditary cancer-predisposing syndrome. Also called: Hereditary Cancer Syndrome; Hereditary neoplastic syndrome; Neoplastic Syndromes, Hereditary; Tumor predisposition. Identifiers: Orphanet 140162, MedGen C0027672, MeSH D009386, MONDO:0015356.
Hereditary nonpolyposis colorectal neoplasms. Identifiers: MedGen C0009405, MeSH D003123.

Submissions (2):

Ambry Genetics
Classification: Uncertain significance for Hereditary cancer-predisposing syndrome. Last evaluated: 2025-02-10. Review status: criteria provided, single submitter. Criteria: Ambry Variant Classification Scheme 2023. Collection method: clinical testing. Allele origin: germline.
Comment: The p.G153V variant (also known as c.458G>T) is located in coding exon 3 of the MSH6 gene, results from a G to T substitution at nucleotide position 458. This variant impacts the first base pair of coding exon 3. The glycine at codon 153 is replaced by valine, an amino acid with dissimilar properties. This amino acid position is highly conserved in available vertebrate species. In addition, the in silico prediction for this alteration is inconclusive. Based on the available evidence, the clinical significance of this variant remains unclear.

Labcorp Genetics (formerly Invitae), Labcorp
Classification: Uncertain significance for Hereditary nonpolyposis colorectal neoplasms. Last evaluated: 2024-01-11. Review status: criteria provided, single submitter. Criteria: Invitae Variant Classification Sherloc (09022015). Collection method: clinical testing. Allele origin: germline.
Comment: This sequence change replaces glycine, which is neutral and non-polar, with valine, which is neutral and non-polar, at codon 153 of the MSH6 protein (p.Gly153Val). This variant is not present in population databases (gnomAD no frequency). This variant has not been reported in the literature in individuals affected with MSH6-related conditions. ClinVar contains an entry for this variant (Variation ID: 1064146). An algorithm developed to predict the effect of missense changes on protein structure and function (PolyPhen-2) suggests that this variant is likely to be disruptive. In summary, the available evidence is currently insufficient to determine the role of this variant in disease. Therefore, it has been classified as a Variant of Uncertain Significance.